The following is an entry in ClinVar:

ClinVar aggregate classification (germline): Conflicting classifications of pathogenicity. Review status: criteria provided, conflicting classifications (1 of 4 stars). 2 submissions from 2 submitters: Uncertain significance (1); Likely benign (1). Last evaluated 2026-02-24.

Conditions:
Cardiovascular phenotype. Identifiers: MedGen CN230736.
Myofibrillar myopathy 4. Also called: Zaspopathy (type). Identifiers: Orphanet 98912, MedGen C4721886, MONDO:0012277, OMIM 609452.

Allele frequency attached by ClinVar (database versions not stated): TOPMed below 0.00001.
gnomAD v4.1: 1 of 1,614,020 alleles (0.000062%); highest among the groups gnomAD compares: South Asian, 0.0011%; no homozygotes.

Submissions (2):

Ambry Genetics
Classification: Likely benign for Cardiovascular phenotype. Last evaluated: 2026-02-24. Review status: criteria provided, single submitter. Criteria: Ambry Variant Classification Scheme 2023. Collection method: clinical testing. Allele origin: germline.

Labcorp Genetics (formerly Invitae), Labcorp
Classification: Uncertain significance for Myofibrillar myopathy 4. Last evaluated: 2023-01-19. Review status: criteria provided, single submitter. Criteria: Invitae Variant Classification Sherloc (09022015). Collection method: clinical testing. Allele origin: germline.
Comment: In summary, the available evidence is currently insufficient to determine the role of this variant in disease. Therefore, it has been classified as a Variant of Uncertain Significance. This variant has not been reported in the literature in individuals affected with LDB3-related conditions. This variant is not present in population databases (gnomAD no frequency). This sequence change replaces alanine, which is neutral and non-polar, with threonine, which is neutral and polar, at codon 524 of the LDB3 protein (p.Ala524Thr). The LDB3 gene has multiple clinically relevant transcripts. This variant occurs in alternate transcript NM_007078.3, and corresponds to NM_001080116.1:c.*17291G>A in the primary transcript.

NM_007078.3(LDB3):c.1570G>A (p.Ala524Thr)

Gene: LDB3 (LIM domain binding 3; plus strand). Cytogenetic location: 10q23.2.
Variant type: single nucleotide variant.
Coding change: c.1570G>A on transcript NM_007078.3 (MANE Select); coding-DNA position 1570, G replaced by A.
Protein change: p.Ala524Thr; replaces alanine 524 with threonine.
Molecular consequence: missense variant.
Genome position (GRCh38, 1-based): chr10:86,716,665, G>A. VCF-style: chr10-86716665-G-A. GRCh37 (hg19) VCF-style: chr10-88476422-G-A.
Other names: c.1240G>A, p.Ala414Thr (NM_001080114.2); c.1585G>A, p.Ala529Thr (NM_001171610.2); c.1381G>A, p.Ala461Thr (NM_001368064.1, NM_001368065.1); c.1429G>A, p.Ala477Thr (NM_001368066.1); short protein forms A529T, A414T, A461T, A524T, A477T.
Identifiers: ClinVar variation 2830302 (VCV002830302.4), dbSNP rs1846888689, ClinGen allele CA377451341.